The following is an entry in ClinVar:

ClinVar aggregate classification (germline): Benign/Likely benign. Review status: criteria provided, multiple submitters, no conflicts (2 of 4 stars). 3 submissions from 3 submitters: Benign (1); Likely benign (2). Last evaluated 2025-05-05.

Conditions:
Hereditary cancer-predisposing syndrome. Also called: Tumor predisposition; Hereditary neoplastic syndrome; Hereditary Cancer Syndrome; Neoplastic Syndromes, Hereditary. Identifiers: Orphanet 140162, MedGen C0027672, MeSH D009386, MONDO:0015356.
Oligodontia-cancer predisposition syndrome. Also called: TOOTH AGENESIS-COLORECTAL CANCER SYNDROME. Identifiers: Orphanet 300576, MedGen C1837750, MONDO:0012075, OMIM 608615. Disease mechanism: loss of function.

Allele frequency attached by ClinVar (database versions not stated): ExAC 0.00002; TOPMed 0.00002.
gnomAD v4.1: 6 of 1,613,858 alleles (0.00037%); highest among the groups gnomAD compares: South Asian, 0.0044%; no homozygotes.

Submissions (3):

Labcorp Genetics (formerly Invitae), Labcorp
Classification: Likely benign for Oligodontia-cancer predisposition syndrome. Last evaluated: 2025-05-05. Review status: criteria provided, single submitter. Criteria: Invitae Variant Classification Sherloc (09022015). Collection method: clinical testing. Allele origin: germline.

Myriad Genetics, Inc.
Classification: Benign for Oligodontia-cancer predisposition syndrome. Last evaluated: 2024-06-26. Review status: criteria provided, single submitter. Criteria: Myriad Autosomal Dominant, Autosomal Recessive and X-Linked Classification Criteria (2023). Collection method: clinical testing. Allele origin: unknown.
Comment: This variant is considered benign. This variant is a silent/synonymous amino acid change and it is not expected to impact splicing.

Ambry Genetics
Classification: Likely benign for Hereditary cancer-predisposing syndrome. Last evaluated: 2021-08-26. Review status: criteria provided, single submitter. Criteria: Ambry Variant Classification Scheme 2023. Collection method: clinical testing. Allele origin: germline.

NM_004655.4(AXIN2):c.528C>A (p.Thr176=)

Gene: AXIN2 (axin 2; minus strand). Cytogenetic location: 17q24.1.
Variant type: single nucleotide variant.
Coding change: c.528C>A on transcript NM_004655.4 (MANE Select); coding-DNA position 528, C replaced by A.
Protein change: p.Thr176=; no amino-acid change (threonine 176 retained).
Molecular consequence: synonymous variant.
Genome position (GRCh38, 1-based): chr17:65,558,093, G>T on the plus strand (C>A on the coding strand, the complement: AXIN2 is on the minus strand). VCF-style: chr17-65558093-G-T. GRCh37 (hg19) VCF-style: chr17-63554211-G-T.
Other names: c.528C>A, p.Thr176= (NM_001363813.1).
Identifiers: ClinVar variation 789402 (VCV000789402.14), dbSNP rs781572220, ClinGen allele CA8719039.
Genomic context (GRCh38, chr17:65,558,093, plus strand): 5'-GTATATATCAGAAGTCAAAAACATCTGGTAGGCATTTTCCTCCATCACCGACTGGATCTC[G>T]GTCTGCGCCTGGTCAAACATGATGGAATCAATCTGCTGCTTCTTGATGCCATCTCTTATG-3'
Protein context (NP_004646.3, residues 166-186): IDSIMFDQAQ[Thr176=]EIQSVMEENA